The following is an entry in ClinVar:

ClinVar aggregate classification (germline): Uncertain significance. Review status: criteria provided, multiple submitters, no conflicts (2 of 4 stars). 2 submissions from 2 submitters: Uncertain significance (2). Last evaluated 2024-05-28.

Conditions:
Autosomal recessive limb-girdle muscular dystrophy type 2A (LGMDR1). Also called: LEYDEN-MOEBIUS MUSCULAR DYSTROPHY; MUSCULAR DYSTROPHY, PELVOFEMORAL; Muscular dystrophy, limb-girdle, type 2A, Amish; Limb-girdle muscular dystrophy, type 2A; Calpainopathy. Identifiers: Orphanet 267, MedGen C1869123, MONDO:0009675, OMIM 253600. Disease mechanism: loss of function.

Submissions (2):

Women's Health and Genetics/Laboratory Corporation of America, LabCorp
Classification: Uncertain significance. Last evaluated: 2024-05-28. Review status: criteria provided, single submitter. Criteria: LabCorp Variant Classification Summary - May 2015. Collection method: clinical testing. Allele origin: germline.
Comment: Variant summary: CAPN3 c.361A>G (p.Ile121Val) results in a conservative amino acid change located in the Peptidase C2, calpain, catalytic domain (IPR001300) of the encoded protein sequence. Three of five in-silico tools predict a damaging effect of the variant on protein function. The variant was absent in 251412 control chromosomes. The available data on variant occurrences in the general population are insufficient to allow any conclusion about variant significance. To our knowledge, no occurrence of c.361A>G in individuals affected with Limb-Girdle Muscular Dystrophy, Autosomal Recessive and no experimental evidence demonstrating its impact on protein function have been reported. ClinVar contains an entry for this variant (Variation ID: 2865258). Based on the evidence outlined above, the variant was classified as uncertain significance.

Labcorp Genetics (formerly Invitae), Labcorp
Classification: Uncertain significance for Autosomal recessive limb-girdle muscular dystrophy type 2A. Last evaluated: 2024-01-06. Review status: criteria provided, single submitter. Criteria: Invitae Variant Classification Sherloc (09022015). Collection method: clinical testing. Allele origin: germline.
Comment: This sequence change replaces isoleucine, which is neutral and non-polar, with valine, which is neutral and non-polar, at codon 121 of the CAPN3 protein (p.Ile121Val). This variant is not present in population databases (gnomAD no frequency). This variant has not been reported in the literature in individuals affected with CAPN3-related conditions. Advanced modeling of protein sequence and biophysical properties (such as structural, functional, and spatial information, amino acid conservation, physicochemical variation, residue mobility, and thermodynamic stability) performed at Invitae indicates that this missense variant is not expected to disrupt CAPN3 protein function with a negative predictive value of 80%. In summary, the available evidence is currently insufficient to determine the role of this variant in disease. Therefore, it has been classified as a Variant of Uncertain Significance.

NM_000070.3(CAPN3):c.361A>G (p.Ile121Val)

Gene: CAPN3 (calpain 3; plus strand). Cytogenetic location: 15q15.1.
Variant type: single nucleotide variant.
Coding change: c.361A>G on transcript NM_000070.3 (MANE Select); coding-DNA position 361, A replaced by G.
Protein change: p.Ile121Val; replaces isoleucine 121 with valine.
Molecular consequence: missense variant.
Genome position (GRCh38, 1-based): chr15:42,384,534, A>G. VCF-style: chr15-42384534-A-G. GRCh37 (hg19) VCF-style: chr15-42676732-A-G.
Other names: c.361A>G, p.Ile121Val (NM_024344.2, NM_173087.2); c.100A>G, p.Ile34Val (NM_212464.2, NM_212467.2); short protein forms I121V, I34V.
Identifiers: ClinVar variation 2865258 (VCV002865258.4), dbSNP rs2053336034, ClinGen allele CA391997412.